The following is an entry in ClinVar:

NM_004369.4(COL6A3):c.4950C>T (p.Phe1650=)

Gene: COL6A3 (collagen type VI alpha 3 chain; minus strand). Cytogenetic location: 2q37.3.
Variant type: single nucleotide variant.
Coding change: c.4950C>T on transcript NM_004369.4 (MANE Select); coding-DNA position 4950, C replaced by T.
Protein change: p.Phe1650=; no amino-acid change (phenylalanine 1650 retained).
Molecular consequence: synonymous variant.
Genome position (GRCh38, 1-based): chr2:237,367,237, G>A on the plus strand (C>T on the coding strand, the complement: COL6A3 is on the minus strand). VCF-style: chr2-237367237-G-A. GRCh37 (hg19) VCF-style: chr2-238275880-G-A.
Other names: c.3129C>T, p.Phe1043= (NM_057166.5); c.4332C>T, p.Phe1444= (NM_057167.4).
Identifiers: ClinVar variation 4823458 (VCV004823458.4).

ClinVar aggregate classification (germline): Likely benign (1 of 4 stars; one submission).

gnomAD v4.1: 1 of 1,613,912 alleles (0.000062%); highest among the groups gnomAD compares: Non-Finnish European, 0.000085%; no homozygotes.

Submission:

CeGaT Center for Human Genetics Tuebingen
Classification: Likely benign. Last evaluated: 2026-03-01. Review status: criteria provided, single submitter. Criteria: CeGaT Center For Human Genetics Tuebingen Variant Classification Criteria Version 2. Collection method: clinical testing. Allele origin: germline. Affected: yes. Observed: 1 variant allele.
Comment: COL6A3: BP4, BP7